The following is an entry in ClinVar:

NM_000503.6(EYA1):c.682_686dup (p.Tyr230fs)

Gene: EYA1 (EYA transcriptional coactivator and phosphatase 1; minus strand). Cytogenetic location: 8q13.3.
Variant type: Duplication.
Coding change: c.682_686dup on transcript NM_000503.6 (MANE Select); coding-DNA positions 682 to 686, 5 bases duplicated (CAGTA; older notation c.682_686dupCAGTA).
Protein change: p.Tyr230fs; shifts the reading frame from tyrosine 230.
Molecular consequence: frameshift variant.
Genome position (GRCh38, 1-based): chr8:71,299,187-71,299,191, TACTG duplicated on the plus strand (CAGTA on the coding strand, the reverse complement: EYA1 is on the minus strand); duplicating any 5 consecutive bases within chr8:71,299,187-71,299,192 gives the same sequence; the c. name uses the placement nearest the transcript's 3' end. VCF-style (leftmost placement, unchanged base first): chr8-71299186-A-ATACTG. GRCh37 (hg19) VCF-style: chr8-72211421-A-ATACTG.
Other names: c.664_668dup, p.Tyr224fs (NM_001288574.2); c.316_320dup, p.Tyr108fs (NM_001288575.2); c.769_773dup, p.Tyr259fs (NM_001370333.1); c.682_686dup, p.Tyr230fs (NM_001370334.1, NM_001370335.1, NM_172058.4); c.751_755dup, p.Tyr253fs (NM_001370336.1); c.754_758dup, p.Tyr254fs (NM_172059.5); short protein forms Y108fs, Y224fs, Y230fs, Y253fs, Y254fs, Y259fs.
Identifiers: ClinVar variation 1331541 (VCV001331541.4), dbSNP rs2128999992, ClinGen allele CA2573053053.

ClinVar aggregate classification (germline): Likely pathogenic (1 of 4 stars; one submission).

Submission:

Greenwood Genetic Center Diagnostic Laboratories, Greenwood Genetic Center
Classification: Likely pathogenic. Last evaluated: 2020-12-11. Review status: criteria provided, single submitter. Criteria: ACMG Guidelines, 2015. Collection method: clinical testing. Allele origin: somatic. Affected: yes.
Comment: PVS1, PM2